The following is an entry in ClinVar:

ClinVar aggregate classification (germline): Conflicting classifications of pathogenicity. Review status: criteria provided, conflicting classifications (1 of 4 stars). 8 submissions from 8 submitters: Uncertain significance (6); Likely benign (1). 1 of the submissions does not count toward it. Last evaluated 2025-10-30.

Conditions:
Hereditary cancer-predisposing syndrome. Also called: Hereditary Cancer Syndrome; Neoplastic Syndromes, Hereditary; Tumor predisposition; Hereditary neoplastic syndrome. Identifiers: Orphanet 140162, MedGen C0027672, MeSH D009386, MONDO:0015356.
BRCA2-related cancer predisposition. Identifiers: MedGen CN377758, MONDO:0700269.
Hereditary breast ovarian cancer syndrome. Also called: Hereditary breast and ovarian cancer; Hereditary breast and ovarian cancer syndrome; Breast and ovarian cancer; Hereditary breast and ovarian cancer syndrome (HBOC); Hereditary breast and/or ovarian cancer syndrome; BRCA1- and BRCA2-Associated Hereditary Breast and Ovarian Cancer. Identifiers: Orphanet 145, MedGen C0677776, MeSH D061325, MONDO:0003582. Disease mechanism: loss of function.
Breast-ovarian cancer, familial, susceptibility to, 2 (BROVCA2). Also called: BRCA2 Hereditary Breast and Ovarian Cancer. Identifiers: Orphanet 145, MedGen C2675520, MONDO:0012933, OMIM 612555. Disease mechanism: loss of function.

Allele frequency attached by ClinVar (database versions not stated): gnomAD 0.00001; gnomAD exomes 0.00001; TOPMed 0.00001.
gnomAD v4.1: 6 of 1,612,324 alleles (0.00037%); highest among the groups gnomAD compares: Admixed American, 0.0084%; no homozygotes.

Submissions (8):

Labcorp Genetics (formerly Invitae), Labcorp
Classification: Uncertain significance for Hereditary breast ovarian cancer syndrome. Last evaluated: 2025-10-30. Review status: criteria provided, single submitter. Criteria: Invitae Variant Classification Sherloc (09022015). Collection method: clinical testing. Allele origin: germline.
Comment: This sequence change replaces histidine, which is basic and polar, with tyrosine, which is neutral and polar, at codon 1223 of the BRCA2 protein (p.His1223Tyr). This variant is present in population databases (rs786203756, gnomAD 0.009%). This missense change has been observed in individual(s) with medulloblastoma (PMID: 26580448). ClinVar contains an entry for this variant (Variation ID: 187469). Invitae Evidence Modeling of protein sequence and biophysical properties (such as structural, functional, and spatial information, amino acid conservation, physicochemical variation, residue mobility, and thermodynamic stability) indicates that this missense variant is not expected to disrupt BRCA2 protein function with a negative predictive value of 95%. In summary, the available evidence is currently insufficient to determine the role of this variant in disease. Therefore, it has been classified as a Variant of Uncertain Significance.

Ambry Genetics
Classification: Uncertain significance for Hereditary cancer-predisposing syndrome. Last evaluated: 2025-10-07. Review status: criteria provided, single submitter. Criteria: Ambry Variant Classification Scheme 2023. Collection method: clinical testing. Allele origin: germline.
Comment: The p.H1223Y variant (also known as c.3667C>T), located in coding exon 10 of the BRCA2 gene, results from a C to T substitution at nucleotide position 3667. The histidine at codon 1223 is replaced by tyrosine, an amino acid with similar properties. This variant has been reported in 1/1120 pediatric cancer patients, who underwent whole genome sequencing and/or whole exome sequencing; this patient was diagnosed with medulloblastoma (Zhang J et al. N. Engl. J. Med., 2015 Dec;373:2336-2346). This amino acid position is poorly conserved in available vertebrate species. In addition, this alteration is predicted to be tolerated by in silico analysis. Since supporting evidence is limited at this time, the clinical significance of this alteration remains unclear.

Color Diagnostics, LLC DBA Color Health
Classification: Uncertain significance for Hereditary cancer-predisposing syndrome. Last evaluated: 2025-09-30. Review status: criteria provided, single submitter. Criteria: ACMG Guidelines, 2015. Collection method: clinical testing. Allele origin: germline.
Comment: This missense variant replaces histidine with tyrosine at codon 1223 of the BRCA2 protein. Computational prediction suggests that this variant may not impact protein structure and function. To our knowledge, functional studies have not been reported for this variant. This variant has been reported in an individual affected with medulloblastoma and another individual affected with astrocytoma (PMID: 26580448, 31970404). This variant has been identified in 6/1612324 chromosomes in the general population by the Genome Aggregation Database (gnomAD). The available evidence is insufficient to determine the role of this variant in disease conclusively. Therefore, this variant is classified as a Variant of Uncertain Significance.

Women's Health and Genetics/Laboratory Corporation of America, LabCorp
Classification: Uncertain significance. Last evaluated: 2025-07-11. Review status: criteria provided, single submitter. Criteria: LabCorp Variant Classification Summary - May 2015. Collection method: clinical testing. Allele origin: germline.
Comment: Variant summary: BRCA2 c.3667C>T (p.His1223Tyr) results in a conservative amino acid change in the encoded protein sequence. Algorithms developed to predict the effect of missense changes on protein structure and function all suggest that this variant is likely to be tolerated. The variant allele was found at a frequency of 1.2e-05 in 250018 control chromosomes. The available data on variant occurrences in the general population are insufficient to allow any conclusion about variant significance. c.3667C>T has been reported in the literature in individuals affected with Medulloblastoma (Zhang_2015) or Anaplastic Astrocytoma (Muskens_2020). These report(s) do not provide unequivocal conclusions about association of the variant with Hereditary Breast And Ovarian Cancer Syndrome. To our knowledge, no experimental evidence demonstrating an impact on protein function has been reported. The following publications have been ascertained in the context of this evaluation (PMID: 31970404, 26580448). ClinVar contains an entry for this variant (Variation ID: 187469). Based on the evidence outlined above, the variant was classified as uncertain significance.

Quest Diagnostics Nichols Institute San Juan Capistrano
Classification: Uncertain significance. Last evaluated: 2025-05-02. Review status: criteria provided, single submitter. Criteria: Quest Diagnostics criteria. Collection method: clinical testing. Allele origin: unknown.
Comment: The BRCA2 c.3667C>T (p.His1223Tyr) variant has been reported in the published literature in individuals with medulloblastoma (PMID: 26580448 (2015)), astrocytoma (PMID: 31970404 (2020)), and described to be located in a region of the BRCA2 gene that is tolerant to missense sequence changes (PMID: 31911673 (2020)). The frequency of this variant in the general population (Genome Aggregation Database) is uninformative in the assessment of its pathogenicity. Analysis of this variant using bioinformatics tools for the prediction of the effect of amino acid changes on protein structure and function yielded predictions that this variant is benign. Based on the available information, we are unable to determine the clinical significance of this variant.

All of Us Research Program, National Institutes of Health
Classification: Uncertain significance for BRCA2-related cancer predisposition. Last evaluated: 2024-09-23. Review status: criteria provided, single submitter. Criteria: ACMG Guidelines, 2015. Collection method: clinical testing. Allele origin: germline. Inheritance: Autosomal dominant inheritance. Observed: 2 variant alleles, 2 heterozygotes.
Comment: This missense variant replaces histidine with tyrosine at codon 1223 of the BRCA2 protein. Computational prediction suggests that this variant may not impact protein structure and function (internally defined REVEL score threshold <= 0.5, PMID: 27666373). To our knowledge, functional studies have not been reported for this variant. This variant has been reported in an individual affected with medulloblastoma (PMID: 26580448). This variant has been identified in 3/250018 chromosomes in the general population by the Genome Aggregation Database (gnomAD). The available evidence is insufficient to determine the role of this variant in disease conclusively. Therefore, this variant is classified as a Variant of Uncertain Significance.

This study involves interpretation of variants in research participants for the purpose of population health screening. Participant phenotype was not available at the time of variant classification. Additional details can be found in publication PMID: 35346344, PMCID: PMC8962531

University of Washington Department of Laboratory Medicine, University of Washington
Classification: Likely benign for Hereditary cancer-predisposing syndrome. Last evaluated: 2023-03-23. Review status: criteria provided, single submitter. Criteria: Dines et al. (Genet Med. 2020). Collection method: curation. Allele origin: germline.
Comment: Missense variant in a coldspot region where missense variants are very unlikely to be pathogenic (PMID:31911673).

BRCA2 exon 11 coldspot. Reclassification based on statistical prior probability.

Counsyl
Classification: Uncertain significance for Breast-ovarian cancer, familial, susceptibility to, 2. Last evaluated: 2016-10-21. Review status: no assertion criteria provided. Collection method: clinical testing. Allele origin: unknown. Not counted in ClinVar's aggregate classification.

Literature cited by the submitters: PubMed 26580448 (cited by 7 submitters); PubMed 31970404 (cited by 3 submitters); PubMed 31911673 (cited by Quest Diagnostics Nichols Institute San Juan Capistrano).

NM_000059.4(BRCA2):c.3667C>T (p.His1223Tyr)

Gene: BRCA2 (BRCA2 DNA repair associated; plus strand). Cytogenetic location: 13q13.1.
Variant type: single nucleotide variant.
Coding change: c.3667C>T on transcript NM_000059.4 (MANE Select); coding-DNA position 3667, C replaced by T.
Protein change: p.His1223Tyr; replaces histidine 1223 with tyrosine.
Molecular consequence: missense variant.
Genome position (GRCh38, 1-based): chr13:32,338,022, C>T. VCF-style: chr13-32338022-C-T. GRCh37 (hg19) VCF-style: chr13-32912159-C-T.
Other names: short protein forms H1223Y.
Identifiers: ClinVar variation 187469 (VCV000187469.36), dbSNP rs786203756, ClinGen allele CA018502.